The following is an entry in ClinVar:

NM_001385562.1(ARPP21):c.1698T>C (p.Ser566=)

Gene: ARPP21 (cAMP regulated phosphoprotein 21; plus strand). Cytogenetic location: 3p22.3.
Variant type: single nucleotide variant.
Coding change: c.1698T>C on transcript NM_001385562.1 (MANE Select); coding-DNA position 1698, T replaced by C.
Protein change: p.Ser566=; no amino-acid change (serine 566 retained).
Molecular consequence: synonymous variant. On other transcripts: non-coding transcript variant (8), intron variant (1).
Genome position (GRCh38, 1-based): chr3:35,738,267, T>C. VCF-style: chr3-35738267-T-C. GRCh37 (hg19) VCF-style: chr3-35779759-T-C.
Other names: c.1644+905T>C (NM_016300.5); c.1638T>C, p.Ser546= (NM_001385589.1, NM_001385590.1, NM_001385567.1 and 1 more transcripts); c.1695T>C, p.Ser565= (NM_001385591.1, NM_001385495.1); c.1698T>C, p.Ser566= (NM_001385592.1, NM_001385593.1, NM_001385594.1 and 1 more transcripts); c.1701T>C, p.Ser567= (NM_001385595.1); c.1536T>C, p.Ser512= (NM_001385581.1, NM_001385565.1, NM_001385574.1 and 9 more transcripts); c.1539T>C, p.Ser513= (NM_001385582.1, NM_001385584.1, NM_001385563.1 and 1 more transcripts); c.1593T>C, p.Ser531= (NM_001385585.1, NM_001385536.1); and 9 more.
Identifiers: ClinVar variation 2653653 (VCV002653653.24), dbSNP rs1456006348, ClinGen allele CA433087574.

ClinVar aggregate classification (germline): Likely benign (1 of 4 stars; one submission).

Allele frequency attached by ClinVar (database versions not stated): TOPMed below 0.00001; gnomAD 0.00001.

Submission:

CeGaT Center for Human Genetics Tuebingen
Classification: Likely benign. Last evaluated: 2023-02-01. Review status: criteria provided, single submitter. Criteria: CeGaT Center For Human Genetics Tuebingen Variant Classification Criteria Version 2. Collection method: clinical testing. Allele origin: germline. Affected: yes. Observed: 1 variant allele.
Comment: ARPP21: BP4, BP7